The following is an entry in ClinVar:

NM_147686.4(TRAF3IP2):c.343G>A (p.Glu115Lys)

Genes: TRAF3IP2-AS1 (TRAF3IP2 antisense RNA 1; plus strand), TRAF3IP2 (TRAF3 interacting protein 2; minus strand), LOC114803478 (TRAF3IP2 eExon liver enhancer; plus strand). Cytogenetic location: 6q21.
Variant type: single nucleotide variant.
Coding change: c.343G>A on transcript NM_147686.4 (MANE Select); coding-DNA position 343, G replaced by A.
Protein change: p.Glu115Lys; replaces glutamic acid 115 with lysine.
Molecular consequence: missense variant.
Genome position (GRCh38, 1-based): chr6:111,591,744, C>T on the plus strand (G>A on the coding strand, the complement: TRAF3IP2 is on the minus strand). VCF-style: chr6-111591744-C-T. GRCh37 (hg19) VCF-style: chr6-111912947-C-T.
Other names: c.343G>A, p.Glu115Lys (NM_001164281.3); c.370G>A, p.Glu124Lys (NM_147200.3); c.343G>A (NM_147686.2); short protein forms E115K, E124K.
Identifiers: ClinVar variation 1008330 (VCV001008330.6), dbSNP rs747398904, ClinGen allele CA3963339.

ClinVar aggregate classification (germline): Uncertain significance. Review status: criteria provided, multiple submitters, no conflicts (2 of 4 stars). 2 submissions from 2 submitters: Uncertain significance (2). Last evaluated 2022-08-08.

Conditions:
Candidiasis, familial, 8 (CANDF8). Identifiers: Orphanet 1334, MedGen C3714992, MONDO:0014230, OMIM 615527.

Allele frequency attached by ClinVar (database versions not stated): gnomAD 0.00004; ExAC 0.00006; TOPMed 0.00006.

Submissions (2):

Labcorp Genetics (formerly Invitae), Labcorp
Classification: Uncertain significance for Candidiasis, familial, 8. Last evaluated: 2022-08-08. Review status: criteria provided, single submitter. Criteria: Invitae Variant Classification Sherloc (09022015). Collection method: clinical testing. Allele origin: germline.
Comment: This sequence change replaces glutamic acid, which is acidic and polar, with lysine, which is basic and polar, at codon 115 of the TRAF3IP2 protein (p.Glu115Lys). This variant is present in population databases (rs747398904, gnomAD 0.03%). This variant has not been reported in the literature in individuals affected with TRAF3IP2-related conditions. ClinVar contains an entry for this variant (Variation ID: 1008330). Algorithms developed to predict the effect of missense changes on protein structure and function output the following: SIFT: "Deleterious"; PolyPhen-2: "Benign"; Align-GVGD: "Class C0". The lysine amino acid residue is found in multiple mammalian species, which suggests that this missense change does not adversely affect protein function. In summary, the available evidence is currently insufficient to determine the role of this variant in disease. Therefore, it has been classified as a Variant of Uncertain Significance.

Ambry Genetics
Classification: Uncertain significance. Last evaluated: 2022-03-16. Review status: criteria provided, single submitter. Criteria: Ambry Variant Classification Scheme 2023. Collection method: clinical testing. Allele origin: germline.